The following is an entry in ClinVar:

ClinVar aggregate classification (germline): Likely benign (1 of 4 stars; one submission).

Allele frequency attached by ClinVar (database versions not stated): ESP Exome Variant Server 0.00103; gnomAD 0.00121; TOPMed 0.00129; ExAC 0.00158; gnomAD exomes 0.00159; 1000 Genomes Project 0.00220; 1000 Genomes Project 30x 0.00234.
gnomAD v4.1: 2,517 of 1,611,646 alleles (0.16%); highest among the groups gnomAD compares: Middle Eastern, 0.52%; 8 homozygotes.

Submission:

CeGaT Center for Human Genetics Tuebingen
Classification: Likely benign. Last evaluated: 2022-12-01. Review status: criteria provided, single submitter. Criteria: CeGaT Center For Human Genetics Tuebingen Variant Classification Criteria Version 2. Collection method: clinical testing. Allele origin: germline. Affected: yes. Observed: 1 variant allele.
Comment: FGD3: BP4, BP7

NM_001083536.2(FGD3):c.2118G>A (p.Thr706=)

Gene: FGD3 (FYVE, RhoGEF and PH domain containing 3; plus strand). Cytogenetic location: 9q22.31.
Variant type: single nucleotide variant.
Coding change: c.2118G>A on transcript NM_001083536.2 (MANE Select); coding-DNA position 2118, G replaced by A.
Protein change: p.Thr706=; no amino-acid change (threonine 706 retained).
Molecular consequence: synonymous variant.
Genome position (GRCh38, 1-based): chr9:93,035,529, G>A. VCF-style: chr9-93035529-G-A. GRCh37 (hg19) VCF-style: chr9-95797811-G-A.
Other names: c.2115G>A, p.Thr705= (NM_001286993.2); c.2118G>A, p.Thr706= (NM_001369951.1, NM_033086.3); c.1971G>A, p.Thr657= (NM_001369952.1).
Identifiers: ClinVar variation 2659307 (VCV002659307.24), dbSNP rs149091212, ClinGen allele CA5128292.